The following is an entry in ClinVar:

ClinVar aggregate classification (germline): Uncertain significance (1 of 4 stars; one submission).

Conditions:
Congenital multicore myopathy with external ophthalmoplegia (CMYO1B). Also called: MULTICORE MYOPATHY; Congenital myopathy 1B, autosomal recessive; Minicore myopathy; Minicore myopathy with external ophthalmoplegia; MULTIMINICORE DISEASE WITH EXTERNAL OPHTHALMOPLEGIA. Identifiers: Orphanet 598, Orphanet 98905, MedGen C1850674, MONDO:0009712, OMIM 255320, HP:0003789.
Malignant hyperthermia, susceptibility to, 1 (MHS1). Also called: RYR1-Related Malignant Hyperthermia Susceptibility; Malignant hyperthermia suceptibility 1; Anesthesia related hyperthermia; Malignant hyperpyrexia; Fulminating hyperpyrexia; Pharmacogenic myopathy. Identifiers: Orphanet 423, MedGen C2930980, MONDO:0007783, OMIM 145600.
King Denborough syndrome (KDS). Identifiers: MedGen C1840365, MONDO:0020485, OMIM 619542.
Central core myopathy (CMYO1A). Also called: CONGENITAL MYOPATHY 1A, AUTOSOMAL DOMINANT, WITH SUSCEPTIBILITY TO MALIGNANT HYPERTHERMIA; Central core disease; Myopathy, central fibrillar. Identifiers: Orphanet 597, MedGen C5830701, MONDO:0007294, OMIM 117000.

Submission:

Kariminejad - Najmabadi Pathology & Genetics Center
Classification: Uncertain significance for Central core myopathy; King Denborough syndrome; Congenital multicore myopathy with external ophthalmoplegia; Malignant hyperthermia, susceptibility to, 1. Last evaluated: 2018-06-09. Review status: criteria provided, single submitter. Criteria: ACMG Guidelines, 2015. Collection method: clinical testing. Allele origin: germline. Inheritance: Autosomal dominant inheritance. Affected: yes.
Comment: PM2, PP2 ,PP3

NM_000540.3(RYR1):c.2902C>A (p.Pro968Thr)

Gene: RYR1 (ryanodine receptor 1; plus strand). Cytogenetic location: 19q13.2.
Variant type: single nucleotide variant.
Coding change: c.2902C>A on transcript NM_000540.3 (MANE Select); coding-DNA position 2902, C replaced by A.
Protein change: p.Pro968Thr; replaces proline 968 with threonine.
Molecular consequence: missense variant.
Genome position (GRCh38, 1-based): chr19:38,466,122, C>A. VCF-style: chr19-38466122-C-A. GRCh37 (hg19) VCF-style: chr19-38956762-C-A.
Other names: c.2902C>A, p.Pro968Thr (NM_001042723.2); short protein forms P968T.
Identifiers: ClinVar variation 3896972 (VCV003896972.1).